The following is an entry in ClinVar:

ClinVar aggregate classification (germline): Pathogenic (1 of 4 stars; one submission).

Conditions:
Duchenne muscular dystrophy (DMD). Also called: MUSCULAR DYSTROPHY, PSEUDOHYPERTROPHIC PROGRESSIVE, DUCHENNE TYPE; Duchenne Muscular Dystrophy (DMD). Identifiers: Orphanet 98896, MedGen C0013264, MONDO:0010679, OMIM 310200.

Submission:

Labcorp Genetics (formerly Invitae), Labcorp
Classification: Pathogenic for Duchenne muscular dystrophy. Last evaluated: 2016-08-11. Review status: criteria provided, single submitter. Criteria: Invitae Variant Classification Sherloc (09022015). Collection method: clinical testing. Allele origin: germline.
Comment: This variant is a gross deletion of the genomic region encompassing exons 3-13 of the DMD gene. This leads to an in-frame deletion, preserving the integrity of the reading frame. In-frame exonic deletions in DMD are typically pathogenic (PMID: 20485447). This particular deletion has been reported in the literature in affected individuals with Duchenne and Becker muscular dystrophy (PMID: 18974567, 21969337, 7853367). For these reasons, this variant has been classified as Pathogenic.

NC_000023.11:g.(?_32595757)_(32849820_?)del

Genes: DMD (dystrophin; minus strand), MIR548F5 (microRNA 548f-5; minus strand). Cytogenetic location: Xp21.1.
Variant type: Deletion.
Identifiers: ClinVar variation 417486 (VCV000417486.1).